The following is an entry in ClinVar:

ClinVar aggregate classification (germline): Uncertain significance. Review status: criteria provided, multiple submitters, no conflicts (2 of 4 stars). 2 submissions from 2 submitters: Uncertain significance (2). Last evaluated 2026-05-03.

Conditions:
Familial thoracic aortic aneurysm and aortic dissection (TAAD). Also called: Thoracic aortic aneurysms and dissections. Identifiers: Orphanet 91387, MedGen C4707243, MONDO:0019625.

gnomAD v4.1: 2 of 1,612,752 alleles (0.00012%); highest among the groups gnomAD compares: Non-Finnish European, 0.00017%; no homozygotes.

Submissions (2):

Ambry Genetics
Classification: Uncertain significance for Familial thoracic aortic aneurysm and aortic dissection. Last evaluated: 2026-05-03. Review status: criteria provided, single submitter. Criteria: Ambry Variant Classification Scheme 2023. Collection method: clinical testing. Allele origin: germline.
Comment: The p.V911L variant (also known as c.2731G>T), located in coding exon 21 of the MYH11 gene, results from a G to T substitution at nucleotide position 2731. The valine at codon 911 is replaced by leucine, an amino acid with highly similar properties. This amino acid position is conserved. In addition, this alteration is predicted to be tolerated by in silico analysis. Based on the available evidence, the clinical significance of this variant remains unclear.

All of Us Research Program, National Institutes of Health
Classification: Uncertain significance for Familial thoracic aortic aneurysm and aortic dissection. Last evaluated: 2023-06-08. Review status: criteria provided, single submitter. Criteria: ACMG Guidelines, 2015. Collection method: clinical testing. Allele origin: germline. Inheritance: Autosomal dominant inheritance. Observed: 1 variant allele, 1 heterozygote.
Comment: This missense variant replaces valine with leucine at codon 918 of the MYH11 protein. Computational prediction suggests that this variant may not impact protein structure and function (internally defined REVEL score threshold <= 0.5, PMID: 27666373). To our knowledge, functional studies have not been reported for this variant. This variant has not been reported in individuals affected with MYH11-related disorders in the literature. This variant has been identified in 1/250478 chromosomes in the general population by the Genome Aggregation Database (gnomAD). The available evidence is insufficient to determine the role of this variant in disease conclusively. Therefore, this variant is classified as a Variant of Uncertain Significance.

This study involves interpretation of variants in research participants for the purpose of population health screening. Participant phenotype was not available at the time of variant classification. Additional details can be found in publication PMID: 35346344, PMCID: PMC8962531

NM_002474.3(MYH11):c.2731G>T (p.Val911Leu)

Gene: MYH11 (myosin heavy chain 11; minus strand). Cytogenetic location: 16p13.11.
Variant type: single nucleotide variant.
Coding change: c.2731G>T on transcript NM_002474.3 (MANE Select); coding-DNA position 2731, G replaced by T.
Protein change: p.Val911Leu; replaces valine 911 with leucine.
Molecular consequence: missense variant.
Genome position (GRCh38, 1-based): chr16:15,741,591, C>A on the plus strand (G>T on the coding strand, the complement: MYH11 is on the minus strand). VCF-style: chr16-15741591-C-A. GRCh37 (hg19) VCF-style: chr16-15835448-C-A.
Other names: c.2752G>T, p.Val918Leu (NM_001040113.2, NM_001040114.2); c.2731G>T, p.Val911Leu (NM_022844.3); c.2731G>T (NM_002474.2); short protein forms V911L, V918L.
Identifiers: ClinVar variation 3071522 (VCV003071522.2), dbSNP rs761426006, ClinGen allele CA394865437.